The following is an entry in ClinVar:

NM_001377295.2(GNAT2):c.838A>G (p.Lys280Glu)

Gene: GNAT2 (G protein subunit alpha transducin 2; minus strand). Cytogenetic location: 1p13.3.
Variant type: single nucleotide variant.
Coding change: c.838A>G on transcript NM_001377295.2 (MANE Select); coding-DNA position 838, A replaced by G.
Protein change: p.Lys280Glu; replaces lysine 280 with glutamic acid.
Molecular consequence: missense variant.
Genome position (GRCh38, 1-based): chr1:109,603,987, T>C on the plus strand (A>G on the coding strand, the complement: GNAT2 is on the minus strand). VCF-style: chr1-109603987-T-C. GRCh37 (hg19) VCF-style: chr1-110146609-T-C.
Other names: c.838A>G, p.Lys280Glu (NM_001379232.1, NM_005272.5); short protein forms K280E.
Identifiers: ClinVar variation 2417882 (VCV002417882.5), dbSNP rs753280339, ClinGen allele CA992305.

ClinVar aggregate classification (germline): Uncertain significance (1 of 4 stars; one submission).

Allele frequency attached by ClinVar (database versions not stated): gnomAD exomes below 0.00001; ExAC 0.00002.
gnomAD v4.1: 5 of 1,611,076 alleles (0.00031%); highest among the groups gnomAD compares: Admixed American, 0.0033%; no homozygotes.

Submission:

Labcorp Genetics (formerly Invitae), Labcorp
Classification: Uncertain significance. Last evaluated: 2022-08-15. Review status: criteria provided, single submitter. Criteria: Invitae Variant Classification Sherloc (09022015). Collection method: clinical testing. Allele origin: germline.
Comment: In summary, the available evidence is currently insufficient to determine the role of this variant in disease. Therefore, it has been classified as a Variant of Uncertain Significance. Advanced modeling of protein sequence and biophysical properties (such as structural, functional, and spatial information, amino acid conservation, physicochemical variation, residue mobility, and thermodynamic stability) performed at Invitae indicates that this missense variant is not expected to disrupt GNAT2 protein function. This variant has not been reported in the literature in individuals affected with GNAT2-related conditions. This variant is present in population databases (rs753280339, gnomAD 0.006%). This sequence change replaces lysine, which is basic and polar, with glutamic acid, which is acidic and polar, at codon 280 of the GNAT2 protein (p.Lys280Glu).